The following is an entry in ClinVar:

NM_000535.7(PMS2):c.1828A>G (p.Lys610Glu)

Gene: PMS2 (PMS1 homolog 2, mismatch repair system component; minus strand). Cytogenetic location: 7p22.1.
Variant type: single nucleotide variant.
Coding change: c.1828A>G on transcript NM_000535.7 (MANE Select); coding-DNA position 1828, A replaced by G.
Protein change: p.Lys610Glu; replaces lysine 610 with glutamic acid.
Molecular consequence: missense variant. On other transcripts: non-coding transcript variant (1).
Genome position (GRCh38, 1-based): chr7:5,986,937, T>C on the plus strand (A>G on the coding strand, the complement: PMS2 is on the minus strand). VCF-style: chr7-5986937-T-C. GRCh37 (hg19) VCF-style: chr7-6026568-T-C.
Other names: c.1423A>G, p.Lys475Glu (NM_001322003.2, NM_001322004.2, NM_001322005.2 and 1 more transcripts); c.1672A>G, p.Lys558Glu (NM_001322006.2); c.1510A>G, p.Lys504Glu (NM_001322007.2, NM_001322008.2); c.1267A>G, p.Lys423Glu (NM_001322010.2); c.895A>G, p.Lys299Glu (NM_001322011.2, NM_001322012.2); c.1255A>G, p.Lys419Glu (NM_001322013.2); c.1828A>G, p.Lys610Glu (NM_001322014.2); c.1519A>G, p.Lys507Glu (NM_001322015.2); short protein forms K610E, K299E, K423E, K475E, K507E, K419E, K558E, K504E.
Identifiers: ClinVar variation 188287 (VCV000188287.70), dbSNP rs199700509, ClinGen allele CA010309.

ClinVar aggregate classification (germline): Conflicting classifications of pathogenicity. Review status: criteria provided, conflicting classifications (1 of 4 stars). 11 submissions from 11 submitters: Uncertain significance (8); Likely benign (3). Last evaluated 2026-01-28.

Conditions:
Hereditary nonpolyposis colorectal neoplasms. Identifiers: MedGen C0009405, MeSH D003123.
Hereditary cancer-predisposing syndrome. Also called: Tumor predisposition; Neoplastic Syndromes, Hereditary; Hereditary Cancer Syndrome; Hereditary neoplastic syndrome. Identifiers: Orphanet 140162, MedGen C0027672, MeSH D009386, MONDO:0015356.
Lynch syndrome. Identifiers: Orphanet 144, MedGen C4552100, MONDO:0005835. Disease mechanism: loss of function.
Lynch syndrome 4 (LYNCH4). Also called: Hereditary non-polyposis colorectal cancer, type 4; Colorectal cancer, hereditary nonpolyposis, type 4. Identifiers: Orphanet 144, MedGen C1838333, MONDO:0013699, OMIM 614337. Disease mechanism: loss of function.
Breast-ovarian cancer, familial, susceptibility to, 1 (BROVCA1). Also called: OVARIAN CANCER, SUSCEPTIBILITY TO; BRCA1 Hereditary Breast and Ovarian Cancer. Identifiers: Orphanet 145, MedGen C2676676, MONDO:0011450, OMIM 604370. Disease mechanism: loss of function.

Allele frequency attached by ClinVar (database versions not stated): ExAC 0.00002; TOPMed 0.00002; gnomAD exomes 0.00003 and 0.00004; gnomAD 0.00004; ESP Exome Variant Server 0.00008; 1000 Genomes Project 30x 0.00016; 1000 Genomes Project 0.00020.
gnomAD v4.1: 60 of 1,614,168 alleles (0.0037%); highest among the groups gnomAD compares: Non-Finnish European, 0.0047%; no homozygotes.

Submissions (11):

Labcorp Genetics (formerly Invitae), Labcorp
Classification: Uncertain significance for Hereditary nonpolyposis colorectal neoplasms. Last evaluated: 2026-01-28. Review status: criteria provided, single submitter. Criteria: Invitae Variant Classification Sherloc (09022015). Collection method: clinical testing. Allele origin: germline.
Comment: This sequence change replaces lysine, which is basic and polar, with glutamic acid, which is acidic and polar, at codon 610 of the PMS2 protein (p.Lys610Glu). This variant is present in population databases (rs199700509, gnomAD 0.005%). This missense change has been observed in individual(s) with lung cancer (PMID: 26689913). ClinVar contains an entry for this variant (Variation ID: 188287). Invitae Evidence Modeling incorporating data from in vitro experimental studies (internal data) indicates that this missense variant is not expected to disrupt PMS2 function with a negative predictive value of 95%. In summary, the available evidence is currently insufficient to determine the role of this variant in disease. Therefore, it has been classified as a Variant of Uncertain Significance.

Molecular Pathology, Peter Maccallum Cancer Centre
Classification: Uncertain significance for Lynch syndrome 4. Last evaluated: 2025-04-01. Review status: criteria provided, single submitter. Criteria: ACMG Guidelines, 2015. Collection method: clinical testing. Allele origin: germline. Inheritance: Autosomal dominant inheritance.

Quest Diagnostics Nichols Institute San Juan Capistrano
Classification: Uncertain significance. Last evaluated: 2025-02-14. Review status: criteria provided, single submitter. Criteria: Quest Diagnostics criteria. Collection method: clinical testing. Allele origin: unknown.
Comment: The PMS2 c.1828A>G (p.Lys610Glu) variant has been detected in the published literature in a case-control study in breast cancer cases as well as reportedly healthy individuals (PMID: 33471991 (2021), see also LOVD). It also has been reported as a somatic variant in lung squamous cell carcinoma (PMID: 30311369 (2018)). The frequency of this variant in the general population (Genome Aggregation Database) is uninformative in the assessment of its pathogenicity. Analysis of this variant using bioinformatics tools for the prediction of the effect of amino acid changes on protein structure and function yielded predictions that this variant is benign. Based on the available information, we are unable to determine the clinical significance of this variant.

Color Diagnostics, LLC DBA Color Health
Classification: Likely benign for Hereditary cancer-predisposing syndrome. Last evaluated: 2024-10-17. Review status: criteria provided, single submitter. Criteria: ACMG Guidelines, 2015. Collection method: clinical testing. Allele origin: germline.

Institute of Immunology and Genetics Kaiserslautern
Classification: Uncertain significance for Breast-ovarian cancer, familial, susceptibility to, 1. Last evaluated: 2024-07-31. Review status: criteria provided, single submitter. Criteria: ACMG Guidelines, 2015. Collection method: clinical testing. Allele origin: germline. Affected: yes.
Comment: ACMG Criteria: BP4; Variant was found in heterozygous state

Ambry Genetics
Classification: Likely benign for Hereditary cancer-predisposing syndrome. Last evaluated: 2024-04-11. Review status: criteria provided, single submitter. Criteria: Ambry Variant Classification Scheme 2023. Collection method: clinical testing. Allele origin: germline.

All of Us Research Program, National Institutes of Health
Classification: Likely benign for Lynch syndrome. Last evaluated: 2024-01-11. Review status: criteria provided, single submitter. Criteria: ACMG Guidelines, 2015. Collection method: clinical testing. Allele origin: germline. Inheritance: Autosomal dominant inheritance. Observed: 4 variant alleles, 4 heterozygotes.
Comment: This study involves interpretation of variants in research participants for the purpose of population health screening. Participant phenotype was not available at the time of variant classification. Additional details can be found in publication PMID: 35346344, PMCID: PMC8962531

Baylor Genetics
Classification: Uncertain significance for Lynch syndrome 4. Last evaluated: 2023-10-10. Review status: criteria provided, single submitter. Criteria: ACMG Guidelines, 2015. Collection method: clinical testing. Allele origin: unknown.

CeGaT Center for Human Genetics Tuebingen
Classification: Uncertain significance. Last evaluated: 2023-06-01. Review status: criteria provided, single submitter. Criteria: CeGaT Center For Human Genetics Tuebingen Variant Classification Criteria Version 2. Collection method: clinical testing. Allele origin: germline. Affected: yes. Observed: 3 variant alleles.
Comment: PMS2: PM2, BP4

GeneDx
Classification: Uncertain significance. Last evaluated: 2022-11-10. Review status: criteria provided, single submitter. Criteria: GeneDx Variant Classification Process June 2021. Collection method: clinical testing. Allele origin: germline. Affected: yes.
Comment: Not observed at significant frequency in large population cohorts (gnomAD); In silico analysis supports that this missense variant does not alter protein structure/function; Observed in an individual with lung cancer (Lu et al., 2015); This variant is associated with the following publications: (PMID: 26689913)

Sema4
Classification: Uncertain significance for Hereditary cancer-predisposing syndrome. Last evaluated: 2022-02-22. Review status: criteria provided, single submitter. Criteria: Sema4 Curation Guidelines. Collection method: curation. Allele origin: germline.
Comment: The PMS2 c.1828A>G (p.K610E) variant has been reported in heterozygosity in at least 1 individual with lung cancer (PMID: 26689913). It has been reported in a large case-control study of breast cancer in 8/60466 cases and 3/53461 controls (PMID: 33471991). It was observed in 6/129180 chromosomes of the Non-Finnish European subpopulation in the large and broad cohorts of the Genome Aggregation Database (PMID: 32461654). This variant has been reported in ClinVar (Variation ID 188287). In silico tools suggest the impact of the variant on protein function is benign, though these predictions have not been confirmed by functional studies. The evidence is insufficient to meet ACMG/AMP criteria for classifying the variant as benign or pathogenic. Thus, the clinical significance of this variant is currently uncertain.

Literature cited by the submitters: PubMed 26689913 (cited by 3 submitters); PubMed 34707284 (cited by Quest Diagnostics Nichols Institute San Juan Capistrano); PubMed 30311369 (cited by Quest Diagnostics Nichols Institute San Juan Capistrano); PubMed 30787465 (cited by Quest Diagnostics Nichols Institute San Juan Capistrano); PubMed 30246500 (cited by Quest Diagnostics Nichols Institute San Juan Capistrano); PubMed 33471991 (cited by Quest Diagnostics Nichols Institute San Juan Capistrano and Sema4).